The following is an entry in ClinVar:

ClinVar aggregate classification (germline): Uncertain significance (1 of 4 stars; one submission).

Allele frequency attached by ClinVar (database versions not stated): gnomAD 0.00001; gnomAD exomes 0.00001 and 0.00002; TOPMed 0.00001; ExAC 0.00003.
gnomAD v4.1: 20 of 1,612,940 alleles (0.0012%); highest among the groups gnomAD compares: South Asian, 0.0022%; no homozygotes.

Submission:

Labcorp Genetics (formerly Invitae), Labcorp
Classification: Uncertain significance. Last evaluated: 2025-12-08. Review status: criteria provided, single submitter. Criteria: Invitae Variant Classification Sherloc (09022015). Collection method: clinical testing. Allele origin: germline.
Comment: This sequence change replaces arginine, which is basic and polar, with histidine, which is basic and polar, at codon 155 of the SNX10 protein (p.Arg155His). This variant is present in population databases (rs765356172, gnomAD 0.004%). This variant has not been reported in the literature in individuals affected with SNX10-related conditions. ClinVar contains an entry for this variant (Variation ID: 1492748). An algorithm developed to predict the effect of missense changes on protein structure and function (PolyPhen-2) suggests that this variant is likely to be disruptive. In summary, the available evidence is currently insufficient to determine the role of this variant in disease. Therefore, it has been classified as a Variant of Uncertain Significance.

NM_013322.3(SNX10):c.464G>A (p.Arg155His)

Gene: SNX10 (sorting nexin 10; plus strand). Cytogenetic location: 7p15.2.
Variant type: single nucleotide variant.
Coding change: c.464G>A on transcript NM_013322.3 (MANE Select); coding-DNA position 464, G replaced by A.
Protein change: p.Arg155His; replaces arginine 155 with histidine.
Molecular consequence: missense variant.
Genome position (GRCh38, 1-based): chr7:26,371,973, G>A. VCF-style: chr7-26371973-G-A. GRCh37 (hg19) VCF-style: chr7-26411593-G-A.
Other names: c.464G>A, p.Arg155His (NM_001199835.1, NM_001318199.3); c.455G>A, p.Arg152His (NM_001199837.3); c.212G>A, p.Arg71His (NM_001199838.2); c.542G>A, p.Arg181His (NM_001318198.1, NM_001362753.1, NM_001362754.1); short protein forms R152H, R155H, R71H, R181H.
Identifiers: ClinVar variation 1492748 (VCV001492748.7), dbSNP rs765356172, ClinGen allele CA4195267.